The following is an entry in ClinVar:

ClinVar aggregate classification (germline): Uncertain significance (1 of 4 stars; one submission).

Conditions:
Combined oxidative phosphorylation defect type 17. Also called: Combined oxidative phosphorylation deficiency 17. Identifiers: Orphanet 369913, MedGen C3809526, MONDO:0014190, OMIM 615440.

Allele frequency attached by ClinVar (database versions not stated): gnomAD exomes below 0.00001 and 0.00001; ExAC 0.00001.
gnomAD v4.1: 1 of 1,613,998 alleles (0.000062%); highest among the groups gnomAD compares: African/African-American, 0.0013%; no homozygotes.

Submission:

Labcorp Genetics (formerly Invitae), Labcorp
Classification: Uncertain significance for Combined oxidative phosphorylation defect type 17. Last evaluated: 2021-07-14. Review status: criteria provided, single submitter. Criteria: Invitae Variant Classification Sherloc (09022015). Collection method: clinical testing. Allele origin: germline.
Comment: In summary, the available evidence is currently insufficient to determine the role of this variant in disease. Therefore, it has been classified as a Variant of Uncertain Significance. Algorithms developed to predict the effect of missense changes on protein structure and function are either unavailable or do not agree on the potential impact of this missense change (SIFT: "Tolerated"; PolyPhen-2: "Probably Damaging"; Align-GVGD: "Class C0"). This variant has not been reported in the literature in individuals affected with ELAC2-related conditions. This variant is present in population databases (rs753617499, ExAC 0.01%). This sequence change replaces alanine with valine at codon 549 of the ELAC2 protein (p.Ala549Val). The alanine residue is highly conserved and there is a small physicochemical difference between alanine and valine.

NM_018127.7(ELAC2):c.1646C>T (p.Ala549Val)

Gene: ELAC2 (elaC ribonuclease Z 2; minus strand). Cytogenetic location: 17p12.
Variant type: single nucleotide variant.
Coding change: c.1646C>T on transcript NM_018127.7 (MANE Select); coding-DNA position 1646, C replaced by T.
Protein change: p.Ala549Val; replaces alanine 549 with valine.
Molecular consequence: missense variant.
Genome position (GRCh38, 1-based): chr17:12,996,560, G>A on the plus strand (C>T on the coding strand, the complement: ELAC2 is on the minus strand). VCF-style: chr17-12996560-G-A. GRCh37 (hg19) VCF-style: chr17-12899877-G-A.
Other names: c.1526C>T, p.Ala509Val (NM_001165962.2); c.1643C>T, p.Ala548Val (NM_173717.2); short protein forms A509V, A548V, A549V.
Identifiers: ClinVar variation 1490520 (VCV001490520.7), dbSNP rs753617499, ClinGen allele CA8401134.
Genomic context (GRCh38, chr17:12,996,560, plus strand): 5'-CAGTGCCTCCTCCAGGCTCCAGCTTTGTGGTCCAGCCCAACACTCACCGTGTGGTGATCT[G>A]CGTGCAGGTGGGACACAAACACAGCAGCCAGGGTGCCCAGGACCCTGTCCACCTGGTCTC-3'
Protein context (NP_060597.4, residues 539-559): LAAVFVSHLH[Ala549Val]DHHTGLPSIL